The following is an entry in ClinVar:

NM_001083926.2(ASRGL1):c.82G>A (p.Val28Ile)

Gene: ASRGL1 (asparaginase and isoaspartyl peptidase 1; plus strand). Cytogenetic location: 11q12.3.
Variant type: single nucleotide variant.
Coding change: c.82G>A on transcript NM_001083926.2 (MANE Select); coding-DNA position 82, G replaced by A.
Protein change: p.Val28Ile; replaces valine 28 with isoleucine.
Molecular consequence: missense variant.
Genome position (GRCh38, 1-based): chr11:62,338,059, G>A. VCF-style: chr11-62338059-G-A. GRCh37 (hg19) VCF-style: chr11-62105531-G-A.
Other names: c.82G>A, p.Val28Ile (NM_025080.4); short protein forms V28I.
Identifiers: ClinVar variation 1524258 (VCV001524258.8), dbSNP rs1180230618, ClinGen allele CA380863428.

ClinVar aggregate classification (germline): Uncertain significance (1 of 4 stars; one submission).

Allele frequency attached by ClinVar (database versions not stated): gnomAD exomes below 0.00001.

Submission:

Labcorp Genetics (formerly Invitae), Labcorp
Classification: Uncertain significance. Last evaluated: 2021-04-08. Review status: criteria provided, single submitter. Criteria: Invitae Variant Classification Sherloc (09022015). Collection method: clinical testing. Allele origin: germline.
Comment: This variant has not been reported in the literature in individuals with ASRGL1-related conditions. This variant is not present in population databases (ExAC no frequency). This sequence change replaces valine with isoleucine at codon 28 of the ASRGL1 protein (p.Val28Ile). The valine residue is weakly conserved and there is a small physicochemical difference between valine and isoleucine. Algorithms developed to predict the effect of missense changes on protein structure and function output the following: SIFT: "Tolerated"; PolyPhen-2: "Benign"; Align-GVGD: "Class C0". The isoleucine amino acid residue is found in multiple mammalian species, suggesting that this missense change does not adversely affect protein function. These predictions have not been confirmed by published functional studies and their clinical significance is uncertain. In summary, the available evidence is currently insufficient to determine the role of this variant in disease. Therefore, it has been classified as a Variant of Uncertain Significance.